The following is an entry in ClinVar:

NM_005035.4(POLRMT):c.1249G>A (p.Val417Met)

Gene: POLRMT (RNA polymerase mitochondrial; minus strand). Cytogenetic location: 19p13.3.
Variant type: single nucleotide variant.
Coding change: c.1249G>A on transcript NM_005035.4 (MANE Select); coding-DNA position 1249, G replaced by A.
Protein change: p.Val417Met; replaces valine 417 with methionine.
Molecular consequence: missense variant.
Genome position (GRCh38, 1-based): chr19:623,495, C>T on the plus strand (G>A on the coding strand, the complement: POLRMT is on the minus strand). VCF-style: chr19-623495-C-T. GRCh37 (hg19) VCF-style: chr19-623495-C-T.
Other names: c.1249G>A, p.Val417Met (NM_001407805.1, NM_001407806.1, NM_001407807.1 and 10 more transcripts); c.1207G>A, p.Val403Met (NM_001407811.1, NM_001407813.1); c.925G>A, p.Val309Met (NM_001407831.1, NM_001407833.1, NM_001407834.1 and 2 more transcripts); short protein forms V309M, V403M, V417M.
Identifiers: ClinVar variation 2379595 (VCV002379595.4), dbSNP rs142443929, ClinGen allele CA9020404.

ClinVar aggregate classification (germline): Uncertain significance. Review status: criteria provided, multiple submitters, no conflicts (2 of 4 stars). 2 submissions from 2 submitters: Uncertain significance (2). Last evaluated 2026-01-07.

Allele frequency attached by ClinVar (database versions not stated): gnomAD 0.00029; ESP Exome Variant Server 0.00054; ExAC 0.00030; TOPMed 0.00032; gnomAD exomes 0.00054.
gnomAD v4.1: 833 of 1,612,902 alleles (0.052%); highest among the groups gnomAD compares: Non-Finnish European, 0.066%; 1 homozygote.

Submissions (2):

Dasa
Classification: Uncertain significance. Last evaluated: 2026-01-07. Review status: criteria provided, single submitter. Criteria: DASA Assertion Criteria. Collection method: clinical testing. Allele origin: germline.
Comment: NM_005035.4(POLRMT):c.1249G>A (p.Val417Met) is a missense variant that results in the substitution of valine with methionine. This variant is rare in population databases. The currently available literature and clinical evidence are not sufficient to establish a definitive association between this variant and the reported condition. Therefore, this variant is classified as a variant of uncertain significance.

Ambry Genetics
Classification: Uncertain significance. Last evaluated: 2021-10-12. Review status: criteria provided, single submitter. Criteria: Ambry Variant Classification Scheme 2023. Collection method: clinical testing. Allele origin: germline.